The following is an entry in ClinVar:

NM_000548.5(TSC2):c.295C>T (p.His99Tyr)

Gene: TSC2 (TSC complex subunit 2; plus strand). Cytogenetic location: 16p13.3.
Variant type: single nucleotide variant.
Coding change: c.295C>T on transcript NM_000548.5 (MANE Select); coding-DNA position 295, C replaced by T.
Protein change: p.His99Tyr; replaces histidine 99 with tyrosine.
Molecular consequence: missense variant. On other transcripts: 5 prime UTR variant (14), non-coding transcript variant (5), intron variant (9).
Genome position (GRCh38, 1-based): chr16:2,053,411, C>T. VCF-style: chr16-2053411-C-T. GRCh37 (hg19) VCF-style: chr16-2103412-C-T.
Other names: c.295C>T, p.His99Tyr (NM_001077183.3, NM_001114382.3, NM_001363528.2 and 10 more transcripts); c.148C>T, p.His50Tyr (NM_001318829.2, NM_001406675.1, NM_001406676.1 and 2 more transcripts); c.328C>T, p.His110Tyr (NM_001318832.2); c.-522C>T (NM_001406680.1, NM_001406683.1, NM_001406687.1); c.-151C>T (NM_001406681.1); c.-1137C>T (NM_001406689.1, NM_001406690.1, NM_001406691.1 and 2 more transcripts); c.-1443C>T (NM_001406693.1); c.-1018C>T (NM_001406694.1, NM_001406695.1); and 4 more; short protein forms H110Y, H50Y, H99Y.
Identifiers: ClinVar variation 4802831 (VCV004802831.1).
Genomic context (GRCh38, chr16:2,053,411, plus strand): 5'-GAAGCACTCTGGAAGGCGGTCGCGGATCTGTTGCAGCCGGAGCGGCCGCTGGAGGCCCGG[C>T]ACGCGGTGCTGGCTCTGCTGAAGGCCATCGTGCAGGGGCAGGTAAGGCCCAGGGCGACGC-3'
Protein context (NP_000539.2, residues 89-109): LQPERPLEAR[His99Tyr]AVLALLKAIV

ClinVar aggregate classification (germline): Uncertain significance (1 of 4 stars; one submission).

Conditions:
Tuberous sclerosis 2 (TSC2). Identifiers: Orphanet 805, MedGen C1860707, MONDO:0013199, OMIM 613254.

gnomAD v4.1: 1 of 1,587,380 alleles (0.000063%); highest among the groups gnomAD compares: Non-Finnish European, 0.000086%; no homozygotes.

Submission:

Labcorp Genetics (formerly Invitae), Labcorp
Classification: Uncertain significance for Tuberous sclerosis 2. Last evaluated: 2025-09-19. Review status: criteria provided, single submitter. Criteria: Invitae Variant Classification Sherloc (09022015). Collection method: clinical testing. Allele origin: germline.
Comment: This sequence change replaces histidine, which is basic and polar, with tyrosine, which is neutral and polar, at codon 99 of the TSC2 protein (p.His99Tyr). This variant is not present in population databases (gnomAD no frequency). This variant has not been reported in the literature in individuals affected with TSC2-related conditions. Invitae Evidence Modeling of protein sequence and biophysical properties (such as structural, functional, and spatial information, amino acid conservation, physicochemical variation, residue mobility, and thermodynamic stability) indicates that this missense variant is not expected to disrupt TSC2 protein function with a negative predictive value of 95%. In summary, the available evidence is currently insufficient to determine the role of this variant in disease. Therefore, it has been classified as a Variant of Uncertain Significance.